The following is an entry in ClinVar:

ClinVar aggregate classification (germline): Uncertain significance (1 of 4 stars; one submission).

Allele frequency attached by ClinVar (database versions not stated): TOPMed 0.00001.

Submission:

Labcorp Genetics (formerly Invitae), Labcorp
Classification: Uncertain significance. Last evaluated: 2021-08-02. Review status: criteria provided, single submitter. Criteria: Invitae Variant Classification Sherloc (09022015). Collection method: clinical testing. Allele origin: germline.
Comment: The frequency data for this variant in the population databases is considered unreliable, as metrics indicate insufficient coverage at this position in the ExAC database. This sequence change replaces alanine with serine at codon 93 of the GRM6 protein (p.Ala93Ser). The alanine residue is highly conserved and there is a moderate physicochemical difference between alanine and serine. This variant has not been reported in the literature in individuals affected with GRM6-related conditions. In summary, the available evidence is currently insufficient to determine the role of this variant in disease. Therefore, it has been classified as a Variant of Uncertain Significance. Algorithms developed to predict the effect of missense changes on protein structure and function are either unavailable or do not agree on the potential impact of this missense change (SIFT: "Deleterious"; PolyPhen-2: "Probably Damaging"; Align-GVGD: "Class C0").

NM_000843.4(GRM6):c.277G>T (p.Ala93Ser)

Gene: GRM6 (glutamate metabotropic receptor 6; minus strand). Cytogenetic location: 5q35.3.
Variant type: single nucleotide variant.
Coding change: c.277G>T on transcript NM_000843.4 (MANE Select); coding-DNA position 277, G replaced by T.
Protein change: p.Ala93Ser; replaces alanine 93 with serine.
Molecular consequence: missense variant.
Genome position (GRCh38, 1-based): chr5:178,994,668, C>A on the plus strand (G>T on the coding strand, the complement: GRM6 is on the minus strand). VCF-style: chr5-178994668-C-A. GRCh37 (hg19) VCF-style: chr5-178421669-C-A.
Other names: short protein forms A93S.
Identifiers: ClinVar variation 1509707 (VCV001509707.6), dbSNP rs1386926233, ClinGen allele CA362436712.
Genomic context (GRCh38, chr5:178,994,668, plus strand): 5'-CGAAGCTCAGCGCCTGCTCCAGCGCGTAGGTGTCCCGCGAGCAGGTGTCCAGCAGCCGCG[C>A]GCCCAGGCGCACGCCGGGCAGCAGCTCGGGGTCGGCGTTGACGCGGTCCAGCGCGTACAG-3'
Protein context (NP_000834.2, residues 83-103): PELLPGVRLG[Ala93Ser]RLLDTCSRDT